The following is an entry in ClinVar:

ClinVar aggregate classification (germline): Uncertain significance (1 of 4 stars; one submission).

Submission:

GeneDx
Classification: Uncertain significance. Last evaluated: 2025-03-27. Review status: criteria provided, single submitter. Criteria: GeneDx Variant Classification Process June 2021. Collection method: clinical testing. Allele origin: germline. Affected: yes.
Comment: Not observed at significant frequency in large population cohorts (gnomAD); In silico analysis supports that this missense variant has a deleterious effect on protein structure/function; Has not been previously published as pathogenic or benign to our knowledge

NM_014795.4(ZEB2):c.2663C>T (p.Pro888Leu)

Gene: ZEB2 (zinc finger E-box binding homeobox 2; minus strand). Cytogenetic location: 2q22.3.
Variant type: single nucleotide variant.
Coding change: c.2663C>T on transcript NM_014795.4 (MANE Select); coding-DNA position 2663, C replaced by T.
Protein change: p.Pro888Leu; replaces proline 888 with leucine.
Molecular consequence: missense variant.
Genome position (GRCh38, 1-based): chr2:144,398,524, G>A on the plus strand (C>T on the coding strand, the complement: ZEB2 is on the minus strand). VCF-style: chr2-144398524-G-A. GRCh37 (hg19) VCF-style: chr2-145156091-G-A.
Other names: c.2591C>T, p.Pro864Leu (NM_001171653.2); short protein forms P864L, P888L.
Identifiers: ClinVar variation 4278692 (VCV004278692.1).